The following is an entry in ClinVar:

ClinVar aggregate classification (germline): Likely benign. Review status: reviewed by expert panel (3 of 4 stars). 4 submissions from 4 submitters: Likely benign (1). 3 of the submissions do not count toward it. Last evaluated 2017-06-29.

Conditions:
Hereditary cancer-predisposing syndrome. Also called: Hereditary Cancer Syndrome; Hereditary neoplastic syndrome; Tumor predisposition; Neoplastic Syndromes, Hereditary. Identifiers: Orphanet 140162, MedGen C0027672, MeSH D009386, MONDO:0015356.
Hereditary breast ovarian cancer syndrome. Also called: Hereditary breast and ovarian cancer syndrome; Hereditary breast and ovarian cancer syndrome (HBOC); BRCA1- and BRCA2-Associated Hereditary Breast and Ovarian Cancer; Breast and ovarian cancer; Hereditary breast and ovarian cancer; Hereditary breast and/or ovarian cancer syndrome. Identifiers: Orphanet 145, MedGen C0677776, MeSH D061325, MONDO:0003582. Disease mechanism: loss of function.
Breast-ovarian cancer, familial, susceptibility to, 1 (BROVCA1). Also called: OVARIAN CANCER, SUSCEPTIBILITY TO; BRCA1 Hereditary Breast and Ovarian Cancer. Identifiers: Orphanet 145, MedGen C2676676, MONDO:0011450, OMIM 604370. Disease mechanism: loss of function.

Allele frequency attached by ClinVar (database versions not stated): gnomAD exomes below 0.00001.
gnomAD v4.1: 1 of 1,614,188 alleles (0.000062%); highest among the groups gnomAD compares: Non-Finnish European, 0.000085%; no homozygotes.

Submissions (4):

Evidence-based Network for the Interpretation of Germline Mutant Alleles (ENIGMA)
Classification: Likely benign for Breast-ovarian cancer, familial, susceptibility to, 1. Last evaluated: 2017-06-29. Review status: reviewed by expert panel. Criteria: ENIGMA BRCA1/2 Classification Criteria (2017-06-29). Collection method: curation. Allele origin: germline.
Comment: Synonymous substitution variant, with low bioinformatic likelihood to result in a splicing aberration (Splicing prior probability 0.02).

Labcorp Genetics (formerly Invitae), Labcorp
Classification: Likely benign for Hereditary breast ovarian cancer syndrome. Last evaluated: 2024-11-12. Review status: criteria provided, single submitter. Criteria: Invitae Variant Classification Sherloc (09022015). Collection method: clinical testing. Allele origin: germline. Not counted in ClinVar's aggregate classification.

Color Diagnostics, LLC DBA Color Health
Classification: Likely benign for Hereditary cancer-predisposing syndrome. Last evaluated: 2017-09-20. Review status: criteria provided, single submitter. Criteria: ACMG Guidelines, 2015. Collection method: clinical testing. Allele origin: germline. Not counted in ClinVar's aggregate classification.

Ambry Genetics
Classification: Likely benign for Hereditary cancer-predisposing syndrome. Last evaluated: 2014-08-19. Review status: criteria provided, single submitter. Criteria: Ambry Variant Classification Scheme 2023. Collection method: clinical testing. Allele origin: germline. Not counted in ClinVar's aggregate classification.

NM_007294.4(BRCA1):c.4851T>C (p.Ala1617=)

Gene: BRCA1 (BRCA1 DNA repair associated; minus strand). Cytogenetic location: 17q21.31.
Variant type: single nucleotide variant.
Coding change: c.4851T>C on transcript NM_007294.4 (MANE Select); coding-DNA position 4851, T replaced by C.
Protein change: p.Ala1617=; no amino-acid change (alanine 1617 retained).
Molecular consequence: synonymous variant. On other transcripts: intron variant (1).
Genome position (GRCh38, 1-based): chr17:43,071,063, A>G on the plus strand (T>C on the coding strand, the complement: BRCA1 is on the minus strand). VCF-style: chr17-43071063-A-G. GRCh37 (hg19) VCF-style: chr17-41223080-A-G.
Other names: c.4707T>C, p.Ala1569= (NM_001407732.1, NM_001407733.1, NM_001407734.1 and 21 more transcripts); c.4704T>C, p.Ala1568= (NM_001407838.1, NM_001407839.1, NM_001407841.1 and 12 more transcripts); c.4851T>C, p.Ala1617= (NM_001407854.1, NM_001407593.1, NM_001407594.1 and 8 more transcripts); c.4848T>C, p.Ala1616= (NM_001407858.1, NM_001407859.1, NM_001407860.1 and 17 more transcripts); c.4845T>C, p.Ala1615= (NM_001407861.1, NM_001407627.1, NM_001407628.1 and 14 more transcripts); c.4650T>C, p.Ala1550= (NM_001407862.1); c.4725T>C, p.Ala1575= (NM_001407863.1, NM_001407939.1, NM_001407940.1 and 11 more transcripts); c.4644T>C, p.Ala1548= (NM_001407874.1, NM_001407875.1); and 71 more.
Identifiers: ClinVar variation 186010 (VCV000186010.20), dbSNP rs786202627, ClinGen allele CA003053.